The following is an entry in ClinVar:

ClinVar aggregate classification (germline): Uncertain significance. Review status: criteria provided, multiple submitters, no conflicts (2 of 4 stars). 2 submissions from 2 submitters: Uncertain significance (2). Last evaluated 2025-08-30.

Allele frequency attached by ClinVar (database versions not stated): gnomAD 0.00004; gnomAD exomes 0.00004 and 0.00003; ExAC 0.00002; TOPMed 0.00003.
gnomAD v4.1: 43 of 1,613,890 alleles (0.0027%); highest among the groups gnomAD compares: Admixed American, 0.015%; no homozygotes.

Submissions (2):

Labcorp Genetics (formerly Invitae), Labcorp
Classification: Uncertain significance. Last evaluated: 2025-08-30. Review status: criteria provided, single submitter. Criteria: Invitae Variant Classification Sherloc (09022015). Collection method: clinical testing. Allele origin: germline.
Comment: This sequence change replaces arginine, which is basic and polar, with glutamine, which is neutral and polar, at codon 1846 of the SCN3A protein (p.Arg1846Gln). This variant is present in population databases (rs748446001, gnomAD 0.01%). This variant has not been reported in the literature in individuals affected with SCN3A-related conditions. ClinVar contains an entry for this variant (Variation ID: 935982). Invitae Evidence Modeling of protein sequence and biophysical properties (such as structural, functional, and spatial information, amino acid conservation, physicochemical variation, residue mobility, and thermodynamic stability) indicates that this missense variant is not expected to disrupt SCN3A protein function with a negative predictive value of 80%. In summary, the available evidence is currently insufficient to determine the role of this variant in disease. Therefore, it has been classified as a Variant of Uncertain Significance.

Dasa
Classification: Uncertain significance. Last evaluated: 2024-12-05. Review status: criteria provided, single submitter. Criteria: DASA Assertion Criteria. Collection method: clinical testing. Allele origin: germline.
Comment: NM_006922.4(SCN3A):c.5537G>A (p.Arg1846Gln) is a missense variant that results in the substitution of arginine with glutamine. The affected residue or protein region has prior evidence supporting clinical relevance. This classification is supported by population frequency inconsistent with a disease-causing role. Computational prediction algorithms are consistent with a deleterious effect. The currently available literature and clinical evidence are not sufficient to establish a definitive association between this variant and the reported condition. Therefore, this variant is classified as a variant of uncertain significance.

NM_006922.4(SCN3A):c.5537G>A (p.Arg1846Gln)

Gene: SCN3A (sodium voltage-gated channel alpha subunit 3; minus strand). Cytogenetic location: 2q24.3.
Variant type: single nucleotide variant.
Coding change: c.5537G>A on transcript NM_006922.4 (MANE Select); coding-DNA position 5537, G replaced by A.
Protein change: p.Arg1846Gln; replaces arginine 1846 with glutamine.
Molecular consequence: missense variant.
Genome position (GRCh38, 1-based): chr2:165,090,616, C>T on the plus strand (G>A on the coding strand, the complement: SCN3A is on the minus strand). VCF-style: chr2-165090616-C-T. GRCh37 (hg19) VCF-style: chr2-165947126-C-T.
Other names: c.5390G>A, p.Arg1797Gln (NM_001081676.2, NM_001081677.2); short protein forms R1797Q, R1846Q.
Identifiers: ClinVar variation 935982 (VCV000935982.11), dbSNP rs748446001, ClinGen allele CA1938388.